The following is an entry in ClinVar:

NM_001134831.2(AHI1):c.*28G>A

Gene: AHI1 (Abelson helper integration site 1; minus strand). Cytogenetic location: 6q23.3.
Variant type: single nucleotide variant.
Coding change: c.*28G>A on transcript NM_001134831.2 (MANE Select); 28 bases downstream of the stop codon, G replaced by A.
Molecular consequence: 3 prime UTR variant.
Genome position (GRCh38, 1-based): chr6:135,285,617, C>T on the plus strand (G>A on the coding strand, the complement: AHI1 is on the minus strand). VCF-style: chr6-135285617-C-T. GRCh37 (hg19) VCF-style: chr6-135606755-C-T.
Other names: c.*28G>A (NM_001134830.2, NM_001350503.2, NM_017651.5); c.*9G>A (NM_001350504.2).
Identifiers: ClinVar variation 3057761 (VCV003057761.2), dbSNP rs9494209, ClinGen allele CA4011929.

ClinVar aggregate classification (germline): Likely benign (0 of 4 stars; one submission).

Conditions:
AHI1-related disorder. Also called: AHI1-related condition.

gnomAD v4.1: 44 of 1,605,310 alleles (0.0027%); highest among the groups gnomAD compares: African/African-American, 0.039%; no homozygotes.

Submission:

PreventionGenetics, part of Exact Sciences
Classification: Likely benign for AHI1-related condition. Last evaluated: 2019-03-04. Review status: no assertion criteria provided. Collection method: clinical testing. Allele origin: germline.
Comment: This variant is classified as likely benign based on ACMG/AMP sequence variant interpretation guidelines (Richards et al. 2015 PMID: 25741868, with internal and published modifications).